The following is an entry in ClinVar:

ClinVar aggregate classification (germline): Uncertain significance (1 of 4 stars; one submission).

Conditions:
Inborn genetic diseases. Identifiers: MedGen C0950123, MeSH D030342.

gnomAD v4.1: 1 of 1,613,984 alleles (0.000062%); highest among the groups gnomAD compares: Non-Finnish European, 0.000085%; no homozygotes.

Submission:

Ambry Genetics
Classification: Uncertain significance for Inborn genetic diseases. Last evaluated: 2025-05-31. Review status: criteria provided, single submitter. Criteria: Ambry Variant Classification Scheme 2023. Collection method: clinical testing. Allele origin: germline.
Comment: The p.A729V variant (also known as c.2186C>T), located in coding exon 19 of the KDM1A gene, results from a C to T substitution at nucleotide position 2186. The alanine at codon 729 is replaced by valine, an amino acid with similar properties. This amino acid position is conserved. In addition, this alteration is predicted to be deleterious by in silico analysis. Based on the available evidence, the clinical significance of this variant remains unclear.

NM_001009999.3(KDM1A):c.2186C>T (p.Ala729Val)

Gene: KDM1A (lysine demethylase 1A; plus strand). Cytogenetic location: 1p36.12.
Variant type: single nucleotide variant.
Coding change: c.2186C>T on transcript NM_001009999.3 (MANE Select); coding-DNA position 2186, C replaced by T.
Protein change: p.Ala729Val; replaces alanine 729 with valine.
Molecular consequence: missense variant.
Genome position (GRCh38, 1-based): chr1:23,081,461, C>T. VCF-style: chr1-23081461-C-T. GRCh37 (hg19) VCF-style: chr1-23407954-C-T.
Other names: c.2132C>T, p.Ala711Val (NM_001363654.2); c.2192C>T, p.Ala731Val (NM_001410762.1); c.2114C>T, p.Ala705Val (NM_001410763.1, NM_015013.4); short protein forms A731V, A729V, A705V, A711V.
Identifiers: ClinVar variation 4042164 (VCV004042164.1).
Genomic context (GRCh38, chr1:23,081,461, plus strand): 5'-AAAGTCTGTAGGAAAACCCTAGAATTATCCTTTCTGTTTCCCCAGCTCCAATACTGTTGG[C>T]ACTAGTGGCAGGAGAAGCTGCTGGTATCATGGAAAACATAAGTGACGATGTGATTGTTGG-3'
Protein context (NP_001009999.1, residues 719-739): WNLYKAPILL[Ala729Val]LVAGEAAGIM